The following is an entry in ClinVar:

NM_001384474.1(LOXHD1):c.3777G>A (p.Trp1259Ter)

Gene: LOXHD1 (lipoxygenase homology PLAT domains 1; minus strand). Cytogenetic location: 18q21.1.
Variant type: single nucleotide variant.
Coding change: c.3777G>A on transcript NM_001384474.1 (MANE Select); coding-DNA position 3777, G replaced by A.
Protein change: p.Trp1259Ter; replaces tryptophan 1259 with a stop codon.
Molecular consequence: nonsense.
Genome position (GRCh38, 1-based): chr18:46,541,912, C>T on the plus strand (G>A on the coding strand, the complement: LOXHD1 is on the minus strand). VCF-style: chr18-46541912-C-T. GRCh37 (hg19) VCF-style: chr18-44121875-C-T.
Other names: c.444G>A, p.Trp148Ter (NM_001145472.3); c.156G>A, p.Trp52Ter (NM_001308013.2); c.3777G>A, p.Trp1259Ter (NM_144612.7); short protein forms W1259*, W148*, W52*.
Identifiers: ClinVar variation 3678317 (VCV003678317.2).

ClinVar aggregate classification (germline): Pathogenic (1 of 4 stars; one submission).

Submission:

Labcorp Genetics (formerly Invitae), Labcorp
Classification: Pathogenic. Last evaluated: 2024-03-20. Review status: criteria provided, single submitter. Criteria: Invitae Variant Classification Sherloc (09022015). Collection method: clinical testing. Allele origin: germline.
Comment: This sequence change creates a premature translational stop signal (p.Trp1259*) in the LOXHD1 gene. It is expected to result in an absent or disrupted protein product. Loss-of-function variants in LOXHD1 are known to be pathogenic (PMID: 19732867, 21465660, 25792669). This variant is not present in population databases (gnomAD no frequency). This variant has not been reported in the literature in individuals affected with LOXHD1-related conditions. For these reasons, this variant has been classified as Pathogenic.

Literature cited by the submitters: PubMed 19732867; PubMed 21465660; PubMed 25792669.